The following is an entry in ClinVar:

NM_001369.3(DNAH5):c.12723del (p.Ile4242fs)

Gene: DNAH5 (dynein axonemal heavy chain 5; minus strand). Cytogenetic location: 5p15.2.
Variant type: Deletion.
Coding change: c.12723del on transcript NM_001369.3 (MANE Select); coding-DNA position 12723, one base deleted (C; older notation c.12723delC).
Protein change: p.Ile4242fs; shifts the reading frame from isoleucine 4242.
Molecular consequence: frameshift variant.
Genome position (GRCh38, 1-based): chr5:13,716,673, G deleted on the plus strand (C on the coding strand, the reverse complement: DNAH5 is on the minus strand); the first of 2 consecutive G bases (chr5:13,716,673-13,716,674); deleting either gives the same sequence. VCF-style (leftmost placement, unchanged base first): chr5-13716672-TG-T. GRCh37 (hg19) VCF-style: chr5-13716781-TG-T.
Other names: short protein forms I4242fs.
Identifiers: ClinVar variation 5016044 (VCV005016044.1).

ClinVar aggregate classification (germline): Pathogenic (1 of 4 stars; one submission).

Conditions:
Primary ciliary dyskinesia 3. Identifiers: Orphanet 244, MedGen C1837618, MONDO:0012085, OMIM 608644.

Submission:

Myriad Genetics, Inc.
Classification: Pathogenic for Primary ciliary dyskinesia 3. Last evaluated: 2026-06-17. Review status: criteria provided, single submitter. Criteria: Myriad Autosomal Dominant, Autosomal Recessive and X-Linked Classification Criteria (2023). Collection method: clinical testing. Allele origin: unknown.
Comment: NM_001369.2(DNAH5):c.12723delC(I4242Sfs*4) is expected to be pathogenic in the context of primary ciliary dyskinesia, DNAH5-related. This variant is predicted to lead to an abnormal or absent protein product due to the creation of a premature termination codon in DNAH5, a gene where loss-of-function variants are known to be pathogenic. Please note: this variant was assessed in the context of healthy population screening.